The following is an entry in ClinVar:

ClinVar aggregate classification (germline): Likely benign (0 of 4 stars; one submission).

Conditions:
CFTR-related disorder (CFTR-RD). Also called: CFTR-related condition; CFTR-related disorders. Identifiers: MedGen C5924204, MONDO:7770004.

Submission:

PreventionGenetics, part of Exact Sciences
Classification: Likely benign for CFTR-related condition. Last evaluated: 2021-11-23. Review status: no assertion criteria provided. Collection method: clinical testing. Allele origin: germline.
Comment: This variant is classified as likely benign based on ACMG/AMP sequence variant interpretation guidelines (Richards et al. 2015 PMID: 25741868, with internal and published modifications).

NM_000492.4(CFTR):c.1210-34TG[15]

Genes: CFTR-AS1 (CFTR antisense RNA 1; minus strand), CFTR (CF transmembrane conductance regulator; plus strand). Cytogenetic location: 7q31.2.
Variant type: Microsatellite.
Coding change: c.1210-34TG[15] on transcript NM_000492.4 (MANE Select); 15 copies in a row of the 2-base unit TG starting at c.1210-34.
Molecular consequence: intron variant.
Genome position: GRCh38 VCF-style: chr7-117548606-A-ATGTGTGTG. GRCh37 (hg19) VCF-style: chr7-117188660-A-ATGTGTGTG.
Identifiers: ClinVar variation 3030509 (VCV003030509.2), dbSNP rs3832534, ClinGen allele CA577680185.